The following is an entry in ClinVar:

ClinVar aggregate classification (germline): Uncertain significance (1 of 4 stars; one submission).

Conditions:
Hereditary cancer-predisposing syndrome. Also called: Hereditary Cancer Syndrome; Neoplastic Syndromes, Hereditary; Tumor predisposition; Hereditary neoplastic syndrome. Identifiers: Orphanet 140162, MedGen C0027672, MeSH D009386, MONDO:0015356.

gnomAD v4.1: 6 of 1,613,062 alleles (0.00037%); highest among the groups gnomAD compares: Non-Finnish European, 0.00051%; no homozygotes.

Submission:

Ambry Genetics
Classification: Uncertain significance for Hereditary cancer-predisposing syndrome. Last evaluated: 2026-08-28. Review status: criteria provided, single submitter. Criteria: Ambry Variant Classification Scheme 2023. Collection method: clinical testing. Allele origin: germline.
Comment: The p.P61S variant (also known as c.181C>T), located in coding exon 1 of the ALK gene, results from a C to T substitution at nucleotide position 181. The proline at codon 61 is replaced by serine, an amino acid with similar properties. This amino acid position is highly conserved in available vertebrate species. In addition, this alteration is predicted to be deleterious by in silico analysis. Based on the available evidence, the clinical significance of this variant remains unclear.

NM_004304.5(ALK):c.181C>T (p.Pro61Ser)

Gene: ALK (ALK receptor tyrosine kinase; minus strand). Cytogenetic location: 2p23.1.
Variant type: single nucleotide variant.
Coding change: c.181C>T on transcript NM_004304.5 (MANE Select); coding-DNA position 181, C replaced by T.
Protein change: p.Pro61Ser; replaces proline 61 with serine.
Molecular consequence: missense variant.
Genome position (GRCh38, 1-based): chr2:29,920,479, G>A on the plus strand (C>T on the coding strand, the complement: ALK is on the minus strand). VCF-style: chr2-29920479-G-A. GRCh37 (hg19) VCF-style: chr2-30143345-G-A.
Other names: short protein forms P61S.
Identifiers: ClinVar variation 5034840 (VCV005034840.1).